The following is an entry in ClinVar:

ClinVar aggregate classification (germline): Uncertain significance. Review status: criteria provided, multiple submitters, no conflicts (2 of 4 stars). 2 submissions from 2 submitters: Uncertain significance (2). Last evaluated 2026-06-10.

Conditions:
UTP4-related disorder. Also called: UTP4-related condition.

gnomAD v4.1: 18 of 1,610,520 alleles (0.0011%); highest among the groups gnomAD compares: African/African-American, 0.0094%; no homozygotes.

Submissions (2):

PreventionGenetics, part of Exact Sciences
Classification: Uncertain significance for UTP4-related condition. Last evaluated: 2026-06-10. Review status: criteria provided, single submitter. Criteria: ACMG Guidelines, 2015. Collection method: clinical testing. Allele origin: germline.
Comment: The UTP4 c.1087A>G variant is predicted to result in the amino acid substitution p.Thr363Ala. To our knowledge, this variant has not been reported in the literature. This variant is reported in 0.0063% of alleles in individuals of African descent in gnomAD. At this time, the clinical significance of this variant is uncertain due to the absence of conclusive functional and genetic evidence.

Labcorp Genetics (formerly Invitae), Labcorp
Classification: Uncertain significance. Last evaluated: 2025-08-20. Review status: criteria provided, single submitter. Criteria: Invitae Variant Classification Sherloc (09022015). Collection method: clinical testing. Allele origin: germline.
Comment: This sequence change replaces threonine, which is neutral and polar, with alanine, which is neutral and non-polar, at codon 363 of the UTP4 protein (p.Thr363Ala). This variant is present in population databases (rs778329470, gnomAD 0.007%). This variant has not been reported in the literature in individuals affected with UTP4-related conditions. Invitae Evidence Modeling of protein sequence and biophysical properties (such as structural, functional, and spatial information, amino acid conservation, physicochemical variation, residue mobility, and thermodynamic stability) indicates that this missense variant is not expected to disrupt UTP4 protein function with a negative predictive value of 80%. In summary, the available evidence is currently insufficient to determine the role of this variant in disease. Therefore, it has been classified as a Variant of Uncertain Significance.

NM_032830.3(UTP4):c.1087A>G (p.Thr363Ala)

Gene: UTP4 (UTP4 small subunit processome component). Cytogenetic location: 16q22.1.
Variant type: single nucleotide variant.
Coding change: c.1087A>G on transcript NM_032830.3 (MANE Select); coding-DNA position 1087, A replaced by G.
Protein change: p.Thr363Ala; replaces threonine 363 with alanine.
Molecular consequence: missense variant.
Genome position (GRCh38, 1-based): chr16:69,153,668, A>G. VCF-style: chr16-69153668-A-G. GRCh37 (hg19) VCF-style: chr16-69187571-A-G.
Other names: c.838A>G, p.Thr280Ala (NM_001318391.2); c.1087A>G (NM_032830.2); short protein forms T280A, T363A.
Identifiers: ClinVar variation 4707407 (VCV004707407.2).
Genomic context (GRCh38, chr16:69,153,668, plus strand): 5'-AAGAGGCAGCTTCTCCTCTTCCAGTTTGCTCATCACTTAGAACTTTGGCGACTGGGATCC[A>G]CAGTTGCAACAGGTAAGATGGGAGCACGTTTTTTTCAATAAGAAAACTGGAGAGAGAAGC-3'
Protein context (NP_116219.2, residues 353-373): HHLELWRLGS[Thr363Ala]VATGKNGDTL